The following is an entry in ClinVar:

NM_005087.4(FXR1):c.80C>G (p.Ser27Cys)

Gene: FXR1 (FMR1 autosomal homolog 1; plus strand). Cytogenetic location: 3q26.33.
Variant type: single nucleotide variant.
Coding change: c.80C>G on transcript NM_005087.4 (MANE Select); coding-DNA position 80, C replaced by G.
Protein change: p.Ser27Cys; replaces serine 27 with cysteine.
Molecular consequence: missense variant. On other transcripts: 5 prime UTR variant (2).
Genome position (GRCh38, 1-based): chr3:180,933,362, C>G. VCF-style: chr3-180933362-C-G. GRCh37 (hg19) VCF-style: chr3-180651150-C-G.
Other names: c.80C>G, p.Ser27Cys (NM_001013438.3); c.-176C>G (NM_001013439.3, NM_001363882.1); short protein forms S27C.
Identifiers: ClinVar variation 1683520 (VCV001683520.2), dbSNP rs2108444091, ClinGen allele CA355305997.

ClinVar aggregate classification (germline): Uncertain significance (1 of 4 stars; one submission).

Conditions:
Delayed gross motor development. Identifiers: MedGen C1837658, HP:0002194.
Neonatal respiratory distress. Identifiers: MedGen C4281993, HP:0002643.
Scoliosis. Identifiers: MedGen C0036439, MONDO:0005392, HP:0002650.

Submission:

Laboratorio de Genetica e Diagnostico Molecular, Hospital Israelita Albert Einstein
Classification: Uncertain significance for Neonatal respiratory distress; Delayed gross motor development; Scoliosis. Last evaluated: 2022-01-12. Review status: criteria provided, single submitter. Criteria: ACMG Guidelines, 2015. Collection method: clinical testing. Allele origin: germline. Affected: yes.
Comment: ACMG classification criteria: PM2 moderate, PP2 supporting, PP4 supporting, BP4 supporting